The following is an entry in ClinVar:

ClinVar aggregate classification (germline): Conflicting classifications of pathogenicity. Review status: criteria provided, conflicting classifications (1 of 4 stars). 13 submissions from 11 submitters: Uncertain significance (3); Likely benign (7). 3 of the submissions do not count toward it. Last evaluated 2025-12-31.

Conditions:
DSP-related disorder. Also called: DSP-related condition; DSP-related disorders.
Cardiovascular phenotype. Identifiers: MedGen CN230736.
Arrhythmogenic cardiomyopathy with wooly hair and keratoderma. Also called: Carvajal syndrome; Dilated cardiomyopathy with woolly hair and keratoderma; PALMOPLANTAR KERATODERMA WITH LEFT VENTRICULAR CARDIOMYOPATHY AND WOOLLY HAIR; Arrhythmogenic cardiomyopathy with woolly hair and keratoderma. Identifiers: Orphanet 65282, MedGen C1854063, MONDO:0011581, OMIM 605676.
Arrhythmogenic right ventricular dysplasia 8 (ARVD8). Also called: Arrhythmogenic Right Ventricular Dysplasia/Cardiomyopathy 8; ARRHYTHMOGENIC RIGHT VENTRICULAR CARDIOMYOPATHY 8; ARRHYTHMOGENIC RIGHT VENTRICULAR DYSPLASIA, FAMILIAL, 8. Identifiers: MedGen C1843896, MONDO:0011831, OMIM 607450.
Lethal acantholytic epidermolysis bullosa (EBLA). Identifiers: Orphanet 158687, MedGen C1864826, MONDO:0012323, OMIM 609638.
Cardiomyopathy (CMYO). Also called: Cardiomyopathies. Identifiers: Orphanet 167848, MedGen C0878544, MONDO:0004994, HP:0001638. Inheritance: Various modes of inheritance.
Woolly hair-skin fragility syndrome (WHSF). Identifiers: Orphanet 293165, MedGen C1843292, MONDO:0957307, OMIM 620415.

Allele frequency attached by ClinVar (database versions not stated): ESP Exome Variant Server 0.00008; gnomAD 0.00011 and 0.00012; TOPMed 0.00014.
gnomAD v4.1: 279 of 1,613,996 alleles (0.017%); highest among the groups gnomAD compares: Non-Finnish European, 0.022%; no homozygotes.

Submissions (13):

Labcorp Genetics (formerly Invitae), Labcorp
Classification: Likely benign for Arrhythmogenic cardiomyopathy with wooly hair and keratoderma; Arrhythmogenic right ventricular dysplasia 8. Last evaluated: 2025-12-31. Review status: criteria provided, single submitter. Criteria: Invitae Variant Classification Sherloc (09022015). Collection method: clinical testing. Allele origin: germline.

PreventionGenetics, part of Exact Sciences
Classification: Likely benign for DSP-related condition. Last evaluated: 2025-10-29. Review status: criteria provided, single submitter. Criteria: ACMG Guidelines, 2015. Collection method: clinical testing. Allele origin: germline.
Comment: This variant is classified as likely benign based on ACMG/AMP sequence variant interpretation guidelines (Richards et al. 2015 PMID: 25741868, with internal and published modifications).

Molecular Diagnostic Laboratory for Inherited Cardiovascular Disease, Montreal Heart Institute
Classification: Likely benign. Last evaluated: 2025-02-17. Review status: criteria provided, single submitter. Criteria: ACMG Guidelines, 2015. Collection method: clinical testing. Allele origin: germline. Affected: no.

Blueprint Genetics
Classification: Likely benign. Last evaluated: 2023-11-29. Review status: criteria provided, single submitter. Criteria: ACMG Guidelines, 2015. Collection method: clinical testing. Allele origin: germline.

GeneDx
Classification: Likely benign. Last evaluated: 2021-09-08. Review status: criteria provided, single submitter. Criteria: GeneDx Variant Classification Process June 2021. Collection method: clinical testing. Allele origin: germline. Affected: yes.

Ambry Genetics
Classification: Likely benign for Cardiovascular phenotype. Last evaluated: 2020-07-28. Review status: criteria provided, single submitter. Criteria: Ambry Variant Classification Scheme 2023. Collection method: clinical testing. Allele origin: germline.

Color Diagnostics, LLC DBA Color Health
Classification: Likely benign for Cardiomyopathy. Last evaluated: 2018-04-08. Review status: criteria provided, single submitter. Criteria: ACMG Guidelines, 2015. Collection method: clinical testing. Allele origin: germline.

Illumina Laboratory Services, Illumina
Classification: Uncertain significance for Lethal acantholytic epidermolysis bullosa. Last evaluated: 2018-01-13. Review status: criteria provided, single submitter. Criteria: ICSL Variant Classification Criteria 13 December 2019. Collection method: clinical testing. Allele origin: germline.

Illumina Laboratory Services, Illumina
Classification: Uncertain significance for Arrhythmogenic cardiomyopathy with wooly hair and keratoderma. Last evaluated: 2018-01-13. Review status: criteria provided, single submitter. Criteria: ICSL Variant Classification Criteria 13 December 2019. Collection method: clinical testing. Allele origin: germline.

Illumina Laboratory Services, Illumina
Classification: Uncertain significance for Arrhythmogenic right ventricular dysplasia 8. Last evaluated: 2018-01-13. Review status: criteria provided, single submitter. Criteria: ICSL Variant Classification Criteria 13 December 2019. Collection method: clinical testing. Allele origin: germline.

Clinical Genetics DNA and cytogenetics Diagnostics Lab, Erasmus MC, Erasmus Medical Center
Classification: Likely benign. Review status: no assertion criteria provided. Collection method: clinical testing. Allele origin: germline. Affected: yes. Study: VKGL Data-share Consensus. Not counted in ClinVar's aggregate classification.

Clinical Genetics, Academic Medical Center
Classification: Benign. Review status: no assertion criteria provided. Collection method: clinical testing. Allele origin: germline. Affected: yes. Study: VKGL Data-share Consensus. Not counted in ClinVar's aggregate classification.

Joint Genome Diagnostic Labs from Nijmegen and Maastricht, Radboudumc and MUMC+
Classification: Likely benign. Review status: no assertion criteria provided. Collection method: clinical testing. Allele origin: germline. Affected: yes. Study: VKGL Data-share Consensus. Not counted in ClinVar's aggregate classification.

NM_004415.4(DSP):c.7125G>A (p.Gly2375=)

Gene: DSP (desmoplakin; plus strand). Cytogenetic location: 6p24.3.
Variant type: single nucleotide variant.
Coding change: c.7125G>A on transcript NM_004415.4 (MANE Select); coding-DNA position 7125, G replaced by A.
Protein change: p.Gly2375=; no amino-acid change (glycine 2375 retained).
Molecular consequence: synonymous variant.
Genome position (GRCh38, 1-based): chr6:7,584,387, G>A. VCF-style: chr6-7584387-G-A. GRCh37 (hg19) VCF-style: chr6-7584620-G-A.
Other names: c.5328G>A, p.Gly1776= (NM_001008844.3); c.5796G>A, p.Gly1932= (NM_001319034.2); c.7125G>A (NM_004415.3).
Identifiers: ClinVar variation 188473 (VCV000188473.29), dbSNP rs141709096, ClinGen allele CA007142.